The following is an entry in ClinVar:

ClinVar aggregate classification (germline): Uncertain significance. Review status: criteria provided, multiple submitters, no conflicts (2 of 4 stars). 2 submissions from 2 submitters: Uncertain significance (2). Last evaluated 2020-12-19.

Conditions:
PRPH2-related disorder. Also called: PRPH2-related disorders; PRPH2-related condition. Identifiers: MedGen CN239395.

Submissions (2):

Labcorp Genetics (formerly Invitae), Labcorp
Classification: Uncertain significance for PRPH2-related disorder. Last evaluated: 2020-12-19. Review status: criteria provided, single submitter. Criteria: Invitae Variant Classification Sherloc (09022015). Collection method: clinical testing. Allele origin: germline.
Comment: In summary, the available evidence is currently insufficient to determine the role of this variant in disease. Therefore, it has been classified as a Variant of Uncertain Significance. Algorithms developed to predict the effect of missense changes on protein structure and function are either unavailable or do not agree on the potential impact of this missense change (SIFT: "Deleterious"; PolyPhen-2: "Benign"; Align-GVGD: "Class C45"). This variant has not been reported in the literature in individuals with PRPH2-related conditions. This variant is not present in population databases (ExAC no frequency). This sequence change replaces asparagine with serine at codon 199 of the PRPH2 protein (p.Asn199Ser). The asparagine residue is highly conserved and there is a small physicochemical difference between asparagine and serine.

Blueprint Genetics
Classification: Uncertain significance. Last evaluated: 2017-11-23. Review status: criteria provided, single submitter. Criteria: ACMG Guidelines, 2015. Collection method: clinical testing. Allele origin: germline.

NM_000322.5(PRPH2):c.596A>G (p.Asn199Ser)

Gene: PRPH2 (peripherin 2; minus strand). Cytogenetic location: 6p21.1.
Variant type: single nucleotide variant.
Coding change: c.596A>G on transcript NM_000322.5 (MANE Select); coding-DNA position 596, A replaced by G.
Protein change: p.Asn199Ser; replaces asparagine 199 with serine.
Molecular consequence: missense variant.
Genome position (GRCh38, 1-based): chr6:42,704,597, T>C on the plus strand (A>G on the coding strand, the complement: PRPH2 is on the minus strand). VCF-style: chr6-42704597-T-C. GRCh37 (hg19) VCF-style: chr6-42672335-T-C.
Other names: short protein forms N199S.
Identifiers: ClinVar variation 1523551 (VCV001523551.9), dbSNP rs2152005399, ClinGen allele CA364135808.